The following is an entry in ClinVar:

ClinVar aggregate classification (germline): Uncertain significance. Review status: criteria provided, multiple submitters, no conflicts (2 of 4 stars). 3 submissions from 3 submitters: Uncertain significance (2). 1 of the submissions does not count toward it. Last evaluated 2024-08-12.

Conditions:
MYH9-related disorder. Identifiers: MedGen C1854520.
Macrothrombocytopenia and granulocyte inclusions with or without nephritis or sensorineural hearing loss (MATINS). Also called: DOHLE LEUKOCYTE INCLUSIONS WITH GIANT PLATELETS; BLEEDING DISORDER, PLATELET-TYPE, 6; MYH9-Related Disease (MYH9-RD); MACROTHROMBOCYTOPENIA WITH LEUKOCYTE INCLUSIONS; MAY-HEGGLIN ANOMALY; SEBASTIAN PLATELET SYNDROME. Identifiers: Orphanet 182050, MedGen C5200934, MONDO:0015912, OMIM 155100.

Allele frequency attached by ClinVar (database versions not stated): gnomAD exomes below 0.00001.
gnomAD v4.1: 2 of 1,614,156 alleles (0.00012%); highest among the groups gnomAD compares: Non-Finnish European, 0.00017%; no homozygotes.

Submissions (3):

Labcorp Genetics (formerly Invitae), Labcorp
Classification: Uncertain significance. Last evaluated: 2024-08-12. Review status: criteria provided, single submitter. Criteria: Invitae Variant Classification Sherloc (09022015). Collection method: clinical testing. Allele origin: germline.
Comment: This sequence change replaces serine, which is neutral and polar, with leucine, which is neutral and non-polar, at codon 1195 of the MYH9 protein (p.Ser1195Leu). This variant is not present in population databases (gnomAD no frequency). This missense change has been observed in individual(s) with macrothrombocytopenia (PMID: 31562665). ClinVar contains an entry for this variant (Variation ID: 623099). Advanced modeling of protein sequence and biophysical properties (such as structural, functional, and spatial information, amino acid conservation, physicochemical variation, residue mobility, and thermodynamic stability) performed at Invitae indicates that this missense variant is not expected to disrupt MYH9 protein function with a negative predictive value of 95%. In summary, the available evidence is currently insufficient to determine the role of this variant in disease. Therefore, it has been classified as a Variant of Uncertain Significance.

NIHR Bioresource Rare Diseases, University of Cambridge
Classification: Uncertain significance for MYH9-related disorder. Last evaluated: 2018-12-12. Review status: criteria provided, single submitter. Criteria: ACMG Guidelines, 2015. Collection method: research. Allele origin: unknown. Inheritance: Autosomal dominant inheritance. Affected: yes. Observed: 1 variant allele.
Comment: PM2

ISTH-SSC Genomics in Thrombosis and Hemostasis, KU Leuven, Center for Molecular and Vascular Biology
Classification: Uncertain significance for Macrothrombocytopenia and granulocyte inclusions with or without nephritis or sensorineural hearing loss. Review status: no assertion criteria provided. Collection method: research. Allele origin: unknown. Affected: yes. Not counted in ClinVar's aggregate classification.
Comment: Submitted to GoldVariant by Dr Karyn Mégy from NIHR Bioresource - Cambridge University, UK

Literature cited by the submitters: PubMed 31562665 (cited by Labcorp Genetics (formerly Invitae), Labcorp).

NM_002473.6(MYH9):c.3584C>T (p.Ser1195Leu)

Gene: MYH9 (myosin heavy chain 9; minus strand). Cytogenetic location: 22q12.3.
Variant type: single nucleotide variant.
Coding change: c.3584C>T on transcript NM_002473.6 (MANE Select); coding-DNA position 3584, C replaced by T.
Protein change: p.Ser1195Leu; replaces serine 1195 with leucine.
Molecular consequence: missense variant.
Genome position (GRCh38, 1-based): chr22:36,294,978, G>A on the plus strand (C>T on the coding strand, the complement: MYH9 is on the minus strand). VCF-style: chr22-36294978-G-A. GRCh37 (hg19) VCF-style: chr22-36691024-G-A.
Other names: short protein forms S1195L.
Identifiers: ClinVar variation 623099 (VCV000623099.6), dbSNP rs1603482935, ClinGen allele CA411387494.